The following is an entry in ClinVar:

NM_002076.4(GNS):c.*1648C>T

Gene: GNS (glucosamine (N-acetyl)-6-sulfatase; minus strand). Cytogenetic location: 12q14.3.
Variant type: single nucleotide variant.
Coding change: c.*1648C>T on transcript NM_002076.4 (MANE Select); 1648 bases downstream of the stop codon, C replaced by T.
Molecular consequence: 3 prime UTR variant.
Genome position (GRCh38, 1-based): chr12:64,715,093, G>A on the plus strand (C>T on the coding strand, the complement: GNS is on the minus strand). VCF-style: chr12-64715093-G-A. GRCh37 (hg19) VCF-style: chr12-65108873-G-A.
Identifiers: ClinVar variation 310181 (VCV000310181.5), dbSNP rs75568735, ClinGen allele CA10638339.

ClinVar aggregate classification (germline): Benign (1 of 4 stars; one submission).

Conditions:
Mucopolysaccharidosis, MPS-III-D (MPS3D). Also called: MPS IIID (Sanfilippo Syndrome Type D); MPS III D; Mucopoly-saccharidosis type 3D; N-acetylglucosamine-6-sulfate sulfatase deficiency; MPS 3D; N-ACETYLGLUCOSAMINE-6-SULFATASE DEFICIENCY. Identifiers: Orphanet 581, Orphanet 79272, MedGen C0086650, MONDO:0009658, OMIM 252940.

Allele frequency attached by ClinVar (database versions not stated): gnomAD 0.00743 and 0.00795; TOPMed 0.00857; 1000 Genomes Project 0.00899; 1000 Genomes Project 30x 0.00984.

Submission:

Illumina Laboratory Services, Illumina
Classification: Benign for Mucopolysaccharidosis, MPS-III-D. Last evaluated: 2018-01-12. Review status: criteria provided, single submitter. Criteria: ICSL Variant Classification Criteria 13 December 2019. Collection method: clinical testing. Allele origin: germline.
Comment: This variant was observed in the ICSL laboratory as part of a predisposition screen in an ostensibly healthy population. It had not been previously curated by ICSL or reported in the Human Gene Mutation Database (HGMD: prior to June 1st, 2018), and was therefore a candidate for classification through an automated scoring system. Utilizing variant allele frequency, disease prevalence and penetrance estimates, and inheritance mode, an automated score was calculated to assess if this variant is too frequent to cause the disease. Based on the score and internal cut-off values, a variant classified as benign is not then subjected to further curation. The score for this variant resulted in a classification of benign for this disease.